The following is an entry in ClinVar:

NM_003835.4(RGS9):c.502G>A (p.Ala168Thr)

Gene: RGS9 (regulator of G protein signaling 9; plus strand). Cytogenetic location: 17q24.1.
Variant type: single nucleotide variant.
Coding change: c.502G>A on transcript NM_003835.4 (MANE Select); coding-DNA position 502, G replaced by A.
Protein change: p.Ala168Thr; replaces alanine 168 with threonine.
Molecular consequence: missense variant.
Genome position (GRCh38, 1-based): chr17:65,168,201, G>A. VCF-style: chr17-65168201-G-A. GRCh37 (hg19) VCF-style: chr17-63164319-G-A.
Other names: c.502G>A, p.Ala168Thr (NM_001081955.3, NM_001165933.2); short protein forms A168T.
Identifiers: ClinVar variation 1011004 (VCV001011004.6), dbSNP rs188902140, ClinGen allele CA8717709.
Genomic context (GRCh38, chr17:65,168,201, plus strand): 5'-ATCACTAATCAAAAGACACAAAGTCTTCCTGGCCTTACACGTGGCTTTTGGCTTTCCAGG[G>A]CTGGAAAGGAGAGGAACAAAGCAGACAGATATGCCCTGGACTGCCAGGAGAAGGCATACT-3'
Protein context (NP_003826.2, residues 158-178): VIMQAKEQYR[Ala168Thr]GKERNKADRY

ClinVar aggregate classification (germline): Uncertain significance (1 of 4 stars; one submission).

Allele frequency attached by ClinVar (database versions not stated): TOPMed 0.00001.
gnomAD v4.1: 4 of 1,607,424 alleles (0.00025%); highest among the groups gnomAD compares: African/African-American, 0.0027%; no homozygotes.

Submission:

Labcorp Genetics (formerly Invitae), Labcorp
Classification: Uncertain significance. Last evaluated: 2022-10-24. Review status: criteria provided, single submitter. Criteria: Invitae Variant Classification Sherloc (09022015). Collection method: clinical testing. Allele origin: germline.
Comment: This sequence change replaces alanine, which is neutral and non-polar, with threonine, which is neutral and polar, at codon 168 of the RGS9 protein (p.Ala168Thr). The frequency data for this variant in the population databases is considered unreliable, as metrics indicate poor data quality at this position in the gnomAD database. This variant has not been reported in the literature in individuals affected with RGS9-related conditions. ClinVar contains an entry for this variant (Variation ID: 1011004). Algorithms developed to predict the effect of missense changes on protein structure and function output the following: SIFT: "Tolerated"; PolyPhen-2: "Benign"; Align-GVGD: "Class C0". The threonine amino acid residue is found in multiple mammalian species, which suggests that this missense change does not adversely affect protein function. In summary, the available evidence is currently insufficient to determine the role of this variant in disease. Therefore, it has been classified as a Variant of Uncertain Significance.